The following is an entry in ClinVar:

NM_003024.3(ITSN1):c.1685-3T>G

Gene: ITSN1 (intersectin 1; plus strand). Cytogenetic location: 21q22.11.
Variant type: single nucleotide variant.
Coding change: c.1685-3T>G on transcript NM_003024.3 (MANE Select); 3 bases into the intron before coding-DNA position 1685, T replaced by G.
Molecular consequence: intron variant.
Genome position (GRCh38, 1-based): chr21:33,781,991, T>G. VCF-style: chr21-33781991-T-G. GRCh37 (hg19) VCF-style: chr21-35154295-T-G.
Other names: c.1685-3T>G (NM_001331010.2, NM_001001132.2, NM_001331008.2 and 2 more transcripts); c.1574-3T>G (NM_001331012.2).
Identifiers: ClinVar variation 4858532 (VCV004858532.1).

ClinVar aggregate classification (germline): Uncertain significance (1 of 4 stars; one submission).

Conditions:
Inborn genetic diseases. Identifiers: MedGen C0950123, MeSH D030342.

Submission:

Ambry Genetics
Classification: Uncertain significance for Inborn genetic diseases. Last evaluated: 2026-03-18. Review status: criteria provided, single submitter. Criteria: Ambry Variant Classification Scheme 2023. Collection method: clinical testing. Allele origin: germline.
Comment: The c.1685-3T>G intronic variant consists of a T to G substitution 3 nucleotides before exon 16 (coding exon 15) of the ITSN1 gene. This variant was not reported in population-based cohorts in the Genome Aggregation Database (gnomAD). This nucleotide position is not well conserved in available vertebrate species. In silico splice site analysis predicts that this alteration will weaken the native splice acceptor site and will result in the creation or strengthening of a novel splice acceptor site. Based on insufficient or conflicting evidence, the clinical significance of this alteration remains unclear.